The following is an entry in ClinVar:

NM_025137.4(SPG11):c.5116A>T (p.Lys1706Ter)

Gene: SPG11 (SPG11 vesicle trafficking associated, spatacsin; minus strand). Cytogenetic location: 15q21.1.
Variant type: single nucleotide variant.
Coding change: c.5116A>T on transcript NM_025137.4 (MANE Select); coding-DNA position 5116, A replaced by T.
Protein change: p.Lys1706Ter; replaces lysine 1706 with a stop codon.
Molecular consequence: nonsense.
Genome position (GRCh38, 1-based): chr15:44,585,641, T>A on the plus strand (A>T on the coding strand, the complement: SPG11 is on the minus strand). VCF-style: chr15-44585641-T-A. GRCh37 (hg19) VCF-style: chr15-44877839-T-A.
Other names: c.5116A>T, p.Lys1706Ter (NM_001160227.2, NM_001411132.1); short protein forms K1706*.
Identifiers: ClinVar variation 4292084 (VCV004292084.1).

ClinVar aggregate classification (germline): Pathogenic (1 of 4 stars; one submission).

Conditions:
Hereditary spastic paraplegia 11. Also called: SPASTIC PARAPLEGIA, AUTOSOMAL RECESSIVE, COMPLICATED, WITH THIN CORPUS CALLOSUM; SPASTIC PARAPLEGIA, AUTOSOMAL RECESSIVE, WITH MENTAL IMPAIRMENT AND THIN CORPUS CALLOSUM; Spastic Paraplegia 11; Nakamura Osame syndrome; Autosomal recessive hereditary spastic paraplegia, mental impairment, and thin corpus callosum; Spastic paraplegia, mental retardation and thin corpus callosum. Identifiers: Orphanet 2822, MedGen C1858479, MONDO:0011445, OMIM 604360.

Submission:

3billion
Classification: Pathogenic for Hereditary spastic paraplegia 11. Last evaluated: 2024-11-07. Review status: criteria provided, single submitter. Criteria: ACMG Guidelines, 2015. Collection method: clinical testing. Allele origin: germline. Affected: yes.
Comment: The variant is not observed in the gnomAD v4.1.0 dataset. Predicted Consequence/Location: Stop-gained (nonsense): predicted to result in a loss or disruption of normal protein function through nonsense-mediated decay (NMD) or protein truncation. Multiple pathogenic variants are reported downstream of the variant. Therefore, this variant is classified as Pathogenic according to the recommendation of ACMG/AMP guideline.